The following is an entry in ClinVar:

ClinVar aggregate classification (germline): Uncertain significance (1 of 4 stars; one submission).

Conditions:
Noonan syndrome 9 (NS9). Identifiers: Orphanet 648, MedGen C4225282, MONDO:0014691, OMIM 616559.

Submission:

Labcorp Genetics (formerly Invitae), Labcorp
Classification: Uncertain significance for Noonan syndrome 9. Last evaluated: 2025-12-16. Review status: criteria provided, single submitter. Criteria: Invitae Variant Classification Sherloc (09022015). Collection method: clinical testing. Allele origin: germline.
Comment: This sequence change replaces lysine, which is basic and polar, with isoleucine, which is neutral and non-polar, at codon 419 of the SOS2 protein (p.Lys419Ile). This variant is not present in population databases (gnomAD no frequency). This variant has not been reported in the literature in individuals affected with SOS2-related conditions. Invitae Evidence Modeling of protein sequence and biophysical properties (such as structural, functional, and spatial information, amino acid conservation, physicochemical variation, residue mobility, and thermodynamic stability) indicates that this missense variant is not expected to disrupt SOS2 protein function with a negative predictive value of 95%. In summary, the available evidence is currently insufficient to determine the role of this variant in disease. Therefore, it has been classified as a Variant of Uncertain Significance.

NM_006939.4(SOS2):c.1256A>T (p.Lys419Ile)

Gene: SOS2 (SOS Ras/Rho guanine nucleotide exchange factor 2; minus strand). Cytogenetic location: 14q21.3.
Variant type: single nucleotide variant.
Coding change: c.1256A>T on transcript NM_006939.4 (MANE Select); coding-DNA position 1256, A replaced by T.
Protein change: p.Lys419Ile; replaces lysine 419 with isoleucine.
Molecular consequence: missense variant.
Genome position (GRCh38, 1-based): chr14:50,160,027, T>A on the plus strand (A>T on the coding strand, the complement: SOS2 is on the minus strand). VCF-style: chr14-50160027-T-A. GRCh37 (hg19) VCF-style: chr14-50626745-T-A.
Other names: c.1157A>T, p.Lys386Ile (NM_001411020.1); short protein forms K386I, K419I.
Identifiers: ClinVar variation 4801992 (VCV004801992.1).